The following is an entry in ClinVar:

NM_022765.4(MICAL1):c.2599A>G (p.Lys867Glu)

Gene: MICAL1 (microtubule associated monooxygenase, calponin and LIM domain containing 1; minus strand). Cytogenetic location: 6q21.
Variant type: single nucleotide variant.
Coding change: c.2599A>G on transcript NM_022765.4 (MANE Select); coding-DNA position 2599, A replaced by G.
Protein change: p.Lys867Glu; replaces lysine 867 with glutamic acid.
Molecular consequence: missense variant.
Genome position (GRCh38, 1-based): chr6:109,445,845, T>C on the plus strand (A>G on the coding strand, the complement: MICAL1 is on the minus strand). VCF-style: chr6-109445845-T-C. GRCh37 (hg19) VCF-style: chr6-109767048-T-C.
Other names: c.2341A>G, p.Lys781Glu (NM_001159291.2); c.2656A>G, p.Lys886Glu (NM_001286613.2); short protein forms K886E, K781E, K867E.
Identifiers: ClinVar variation 3006061 (VCV003006061.3), dbSNP rs754312834, ClinGen allele CA3952834.

ClinVar aggregate classification (germline): Uncertain significance (1 of 4 stars; one submission).

Allele frequency attached by ClinVar (database versions not stated): gnomAD exomes below 0.00001; TOPMed below 0.00001; gnomAD 0.00002; ExAC 0.00003.
gnomAD v4.1: 9 of 1,606,000 alleles (0.00056%); highest among the groups gnomAD compares: East Asian, 0.011%; no homozygotes.

Submission:

Labcorp Genetics (formerly Invitae), Labcorp
Classification: Uncertain significance. Last evaluated: 2025-01-30. Review status: criteria provided, single submitter. Criteria: Invitae Variant Classification Sherloc (09022015). Collection method: clinical testing. Allele origin: germline.
Comment: This sequence change replaces lysine, which is basic and polar, with glutamic acid, which is acidic and polar, at codon 886 of the MICAL1 protein (p.Lys886Glu). This variant is present in population databases (rs754312834, gnomAD 0.03%). This variant has not been reported in the literature in individuals affected with MICAL1-related conditions. ClinVar contains an entry for this variant (Variation ID: 3006061). An algorithm developed to predict the effect of missense changes on protein structure and function outputs the following: PolyPhen-2: "Benign". The glutamic acid amino acid residue is found in multiple mammalian species, which suggests that this missense change does not adversely affect protein function. In summary, the available evidence is currently insufficient to determine the role of this variant in disease. Therefore, it has been classified as a Variant of Uncertain Significance.